The following is an entry in ClinVar:

NM_000059.4(BRCA2):c.6170G>T (p.Gly2057Val)

Gene: BRCA2 (BRCA2 DNA repair associated; plus strand). Cytogenetic location: 13q13.1.
Variant type: single nucleotide variant.
Coding change: c.6170G>T on transcript NM_000059.4 (MANE Select); coding-DNA position 6170, G replaced by T.
Protein change: p.Gly2057Val; replaces glycine 2057 with valine.
Molecular consequence: missense variant.
Genome position (GRCh38, 1-based): chr13:32,340,525, G>T. VCF-style: chr13-32340525-G-T. GRCh37 (hg19) VCF-style: chr13-32914662-G-T.
Other names: short protein forms G2057V.
Identifiers: ClinVar variation 233287 (VCV000233287.22), dbSNP rs876660308, ClinGen allele CA10579682.

ClinVar aggregate classification (germline): Conflicting classifications of pathogenicity. Review status: criteria provided, conflicting classifications (1 of 4 stars). 5 submissions from 5 submitters: Uncertain significance (3); Likely benign (2). Last evaluated 2025-11-11.

Conditions:
Hereditary breast ovarian cancer syndrome. Also called: Hereditary breast and ovarian cancer syndrome; BRCA1- and BRCA2-Associated Hereditary Breast and Ovarian Cancer; Breast and ovarian cancer; Hereditary breast and/or ovarian cancer syndrome; Hereditary breast and ovarian cancer; Hereditary breast and ovarian cancer syndrome (HBOC). Identifiers: Orphanet 145, MedGen C0677776, MeSH D061325, MONDO:0003582. Disease mechanism: loss of function.
Hereditary cancer-predisposing syndrome. Also called: Neoplastic Syndromes, Hereditary; Tumor predisposition; Hereditary Cancer Syndrome; Hereditary neoplastic syndrome. Identifiers: Orphanet 140162, MedGen C0027672, MeSH D009386, MONDO:0015356.

Submissions (5):

Labcorp Genetics (formerly Invitae), Labcorp
Classification: Uncertain significance for Hereditary breast ovarian cancer syndrome. Last evaluated: 2025-11-11. Review status: criteria provided, single submitter. Criteria: Invitae Variant Classification Sherloc (09022015). Collection method: clinical testing. Allele origin: germline.
Comment: This sequence change replaces glycine, which is neutral and non-polar, with valine, which is neutral and non-polar, at codon 2057 of the BRCA2 protein (p.Gly2057Val). This variant is not present in population databases (gnomAD no frequency). This variant has not been reported in the literature in individuals affected with BRCA2-related conditions. ClinVar contains an entry for this variant (Variation ID: 233287). Invitae Evidence Modeling of protein sequence and biophysical properties (such as structural, functional, and spatial information, amino acid conservation, physicochemical variation, residue mobility, and thermodynamic stability) indicates that this missense variant is not expected to disrupt BRCA2 protein function with a negative predictive value of 95%. In summary, the available evidence is currently insufficient to determine the role of this variant in disease. Therefore, it has been classified as a Variant of Uncertain Significance.

Ambry Genetics
Classification: Uncertain significance for Hereditary cancer-predisposing syndrome. Last evaluated: 2025-04-12. Review status: criteria provided, single submitter. Criteria: Ambry Variant Classification Scheme 2023. Collection method: clinical testing. Allele origin: germline.
Comment: The p.G2057V variant (also known as c.6170G>T), located in coding exon 10 of the BRCA2 gene, results from a G to T substitution at nucleotide position 6170. The glycine at codon 2057 is replaced by valine, an amino acid with dissimilar properties. This amino acid position is highly conserved in available vertebrate species. In addition, this alteration is predicted to be deleterious by in silico analysis. Since supporting evidence is limited at this time, the clinical significance of this alteration remains unclear.

Center for Genomic Medicine, Rigshospitalet, Copenhagen University Hospital
Classification: Likely benign. Last evaluated: 2025-03-04. Review status: criteria provided, single submitter. Criteria: ACMG Guidelines, 2015. Collection method: clinical testing. Allele origin: germline.

GeneDx
Classification: Uncertain significance. Last evaluated: 2023-09-28. Review status: criteria provided, single submitter. Criteria: GeneDx Variant Classification Process June 2021. Collection method: clinical testing. Allele origin: germline. Affected: yes.
Comment: Observed in individuals undergoing multigene panel testing for personal and family history of cancer (Li et al., 2020); Not observed at significant frequency in large population cohorts (gnomAD); In silico analysis supports that this missense variant has a deleterious effect on protein structure/function; Also known as 6398G>T; This variant is associated with the following publications: (PMID: 31911673, 9002670, 22193408, 29884841, 32377563, 31853058)

University of Washington Department of Laboratory Medicine, University of Washington
Classification: Likely benign for Hereditary cancer-predisposing syndrome. Last evaluated: 2023-03-23. Review status: criteria provided, single submitter. Criteria: Dines et al. (Genet Med. 2020). Collection method: curation. Allele origin: germline.
Comment: Missense variant in a coldspot region where missense variants are very unlikely to be pathogenic (PMID:31911673).

BRCA2 exon 11 coldspot. Reclassification based on statistical prior probability.